The following is an entry in ClinVar:

NM_005236.3(ERCC4):c.2303C>T (p.Ser768Phe)

Gene: ERCC4 (ERCC excision repair 4, endonuclease catalytic subunit; plus strand). Cytogenetic location: 16p13.12.
Variant type: single nucleotide variant.
Coding change: c.2303C>T on transcript NM_005236.3 (MANE Select); coding-DNA position 2303, C replaced by T.
Protein change: p.Ser768Phe; replaces serine 768 with phenylalanine.
Molecular consequence: missense variant.
Genome position (GRCh38, 1-based): chr16:13,947,899, C>T. VCF-style: chr16-13947899-C-T. GRCh37 (hg19) VCF-style: chr16-14041756-C-T.
Other names: short protein forms S768F.
Identifiers: ClinVar variation 3753456 (VCV003753456.2).

ClinVar aggregate classification (germline): Uncertain significance (1 of 4 stars; one submission).

Conditions:
Xeroderma pigmentosum, group F (XPF). Also called: XERODERMA PIGMENTOSUM, COMPLEMENTATION GROUP F; XERODERMA PIGMENTOSUM VI; XP, GROUP F; ERCC4-Related Xeroderma Pigmentosum; XERODERMA PIGMENTOSUM, TYPE F; Xeroderma pigmentosum, type 6. Identifiers: MedGen C0268140, MONDO:0010215, OMIM 278760.
Fanconi anemia complementation group Q. Identifiers: Orphanet 84, MedGen C3808988, MONDO:0014108, OMIM 615272.
Cockayne syndrome. Identifiers: Orphanet 191, MedGen C0009207, MONDO:0016006.

Submission:

Labcorp Genetics (formerly Invitae), Labcorp
Classification: Uncertain significance for Fanconi anemia complementation group Q; Xeroderma pigmentosum, group F; Cockayne syndrome. Last evaluated: 2024-04-07. Review status: criteria provided, single submitter. Criteria: Invitae Variant Classification Sherloc (09022015). Collection method: clinical testing. Allele origin: germline.
Comment: This sequence change replaces serine, which is neutral and polar, with phenylalanine, which is neutral and non-polar, at codon 768 of the ERCC4 protein (p.Ser768Phe). This variant is not present in population databases (gnomAD no frequency). This variant has not been reported in the literature in individuals affected with ERCC4-related conditions. Advanced modeling of protein sequence and biophysical properties (such as structural, functional, and spatial information, amino acid conservation, physicochemical variation, residue mobility, and thermodynamic stability) performed at Invitae indicates that this missense variant is expected to disrupt ERCC4 protein function with a positive predictive value of 80%. In summary, the available evidence is currently insufficient to determine the role of this variant in disease. Therefore, it has been classified as a Variant of Uncertain Significance.